The following is an entry in ClinVar:

NM_000059.4(BRCA2):c.7805+13A>G

Gene: BRCA2 (BRCA2 DNA repair associated; plus strand). Cytogenetic location: 13q13.1.
Variant type: single nucleotide variant.
Coding change: c.7805+13A>G on transcript NM_000059.4 (MANE Select); 13 bases into the intron after coding-DNA position 7805, A replaced by G.
Molecular consequence: intron variant.
Genome position (GRCh38, 1-based): chr13:32,357,942, A>G. VCF-style: chr13-32357942-A-G. GRCh37 (hg19) VCF-style: chr13-32932079-A-G.
Identifiers: ClinVar variation 182296 (VCV000182296.42), dbSNP rs149769332, ClinGen allele CA025279.

ClinVar aggregate classification (germline): Benign/Likely benign. Review status: criteria provided, multiple submitters, no conflicts (2 of 4 stars). 13 submissions from 13 submitters: Benign (2); Likely benign (6). 5 of the submissions do not count toward it. Last evaluated 2026-01-25.

Conditions:
BRCA2-related disorder. Also called: BRCA2-related condition; BRCA2-related disorders. Identifiers: MedGen CN239275.
Hereditary cancer-predisposing syndrome. Also called: Neoplastic Syndromes, Hereditary; Tumor predisposition; Hereditary neoplastic syndrome; Hereditary Cancer Syndrome. Identifiers: Orphanet 140162, MedGen C0027672, MeSH D009386, MONDO:0015356.
Hereditary breast ovarian cancer syndrome. Also called: Hereditary breast and/or ovarian cancer syndrome; Hereditary breast and ovarian cancer syndrome; Hereditary breast and ovarian cancer; Hereditary breast and ovarian cancer syndrome (HBOC); Breast and ovarian cancer; BRCA1- and BRCA2-Associated Hereditary Breast and Ovarian Cancer. Identifiers: Orphanet 145, MedGen C0677776, MeSH D061325, MONDO:0003582. Disease mechanism: loss of function.
Breast-ovarian cancer, familial, susceptibility to, 2 (BROVCA2). Also called: BRCA2 Hereditary Breast and Ovarian Cancer. Identifiers: Orphanet 145, MedGen C2675520, MONDO:0012933, OMIM 612555. Disease mechanism: loss of function.
Malignant tumor of breast. Also called: Malignant breast neoplasm; Cancer breast. Identifiers: MedGen C0006142, MONDO:0007254. Disease mechanism: loss of function.

Allele frequency attached by ClinVar (database versions not stated): gnomAD exomes 0.00003 and 0.00004; ExAC 0.00006; ESP Exome Variant Server 0.00008; 1000 Genomes Project 30x 0.00016; gnomAD 0.00018 and 0.00019; 1000 Genomes Project 0.00020; TOPMed 0.00022.
gnomAD v4.1: 71 of 1,610,986 alleles (0.0044%); highest among the groups gnomAD compares: African/African-American, 0.055%; no homozygotes.

Submissions (13):

Labcorp Genetics (formerly Invitae), Labcorp
Classification: Likely benign for Hereditary breast ovarian cancer syndrome. Last evaluated: 2026-01-25. Review status: criteria provided, single submitter. Criteria: Invitae Variant Classification Sherloc (09022015). Collection method: clinical testing. Allele origin: germline.

PreventionGenetics, part of Exact Sciences
Classification: Likely benign for BRCA2-related condition. Last evaluated: 2025-12-19. Review status: criteria provided, single submitter. Criteria: ACMG Guidelines, 2015. Collection method: clinical testing. Allele origin: germline.
Comment: This variant is classified as likely benign based on ACMG/AMP sequence variant interpretation guidelines (Richards et al. 2015 PMID: 25741868, with internal and published modifications).

Blueprint Genetics
Classification: Likely benign. Last evaluated: 2023-03-15. Review status: criteria provided, single submitter. Criteria: ACMG Guidelines, 2015. Collection method: clinical testing. Allele origin: germline.

National Health Laboratory Service, Universitas Academic Hospital and University of the Free State
Classification: Likely benign for Hereditary breast ovarian cancer syndrome. Last evaluated: 2021-11-16. Review status: criteria provided, single submitter. Criteria: ACMG Guidelines, 2015. Collection method: clinical testing. Allele origin: germline. Affected: yes. Observed: 1 variant allele.

Women's Health and Genetics/Laboratory Corporation of America, LabCorp
Classification: Benign. Last evaluated: 2021-07-18. Review status: criteria provided, single submitter. Criteria: LabCorp Variant Classification Summary - May 2015. Collection method: clinical testing. Allele origin: germline.
Comment: Variant summary: BRCA2 c.7805+13A>G alters a non-conserved nucleotide located close to a canonical splice site and therefore could affect mRNA splicing, leading to a significantly altered protein sequence. Several computational tools predict a significant impact on normal splicing: Three predict the variant creates a cryptic intronic alternate 3' acceptor site. However, these predictions have not been corraborated by published functional studies, which have demonstrated no impact on normal splicing and have categorized this variant as a class 1 (benign) variant (example, Montalban_2019). The variant allele was found at a frequency of 4e-05 in 251174 control chromosomes, predominantly at a frequency of 0.00037 within the African or African-American subpopulation in the gnomAD database. The available data on variant occurrences in the general population are insufficient to allow any conclusion about variant significance. c.7805+13A>G has been reported in the literature as a VUS in individuals from families affected with Hereditary Breast And Ovarian Cancer Syndrome. These report(s) do not provide unequivocal conclusions about association of the variant with Hereditary Breast And Ovarian Cancer Syndrome. Multiple co-occurrences with other pathogenic variant(s) have been reported in the UMD database, literature and observed at our laboratory (UMD database and Montalban_2019-BRCA1 c.3748G>T, p.Glu1250X; our laboratory-BRCA1 c.4986+6T>C), providing supporting evidence for a benign role. Five clinical diagnostic laboratories have submitted clinical-significance assessments for this variant to ClinVar after 2014 without evidence for independent evaluation. All laboratories classified the variant as benign (n=1)/likely benign (n=4). Based on the evidence outlined above, the variant was classified as benign.

Mendelics
Classification: Likely benign for Breast-ovarian cancer, familial, susceptibility to, 2. Last evaluated: 2019-05-28. Review status: criteria provided, single submitter. Criteria: Mendelics Assertion Criteria 2017. Collection method: clinical testing. Allele origin: unknown.

Color Diagnostics, LLC DBA Color Health
Classification: Likely benign for Hereditary cancer-predisposing syndrome. Last evaluated: 2016-06-23. Review status: criteria provided, single submitter. Criteria: ACMG Guidelines, 2015. Collection method: clinical testing. Allele origin: germline.

GeneDx
Classification: Benign. Last evaluated: 2014-08-19. Review status: criteria provided, single submitter. Criteria: GeneDx Variant Classification (06012015). Collection method: clinical testing. Allele origin: germline. Affected: yes.
Comment: This variant is considered likely benign or benign based on one or more of the following criteria: it is a conservative change, it occurs at a poorly conserved position in the protein, it is predicted to be benign by multiple in silico algorithms, and/or has population frequency not consistent with disease.

Hereditary Cancer Genetics group, Vall d'Hebron Institute of Oncology
Classification: Benign for Hereditary breast and ovarian cancer syndrome. Last evaluated: 2019-03-01. Review status: no assertion criteria provided. Collection method: research. Allele origin: germline. Affected: yes. Not counted in ClinVar's aggregate classification.

Counsyl
Classification: Likely benign for Breast-ovarian cancer, familial, susceptibility to, 2. Last evaluated: 2017-01-18. Review status: no assertion criteria provided. Collection method: clinical testing. Allele origin: unknown. Not counted in ClinVar's aggregate classification.

Clinical Genetics Laboratory, Department of Pathology, Netherlands Cancer Institute
Classification: Likely benign. Review status: no assertion criteria provided. Collection method: clinical testing. Allele origin: germline. Affected: yes. Study: VKGL Data-share Consensus. Not counted in ClinVar's aggregate classification.

Department of Pathology and Laboratory Medicine, Sinai Health System
Classification: Uncertain significance for Malignant tumor of breast. Review status: no assertion criteria provided. Collection method: clinical testing. Allele origin: unknown. Affected: yes. Study: The Canadian Open Genetics Repository (COGR). Not counted in ClinVar's aggregate classification.
Comment: The c.7805+13A>G variant was not identified in the literature, but was identified in dbSNP (ID: rs149769332), and in the UMD (4X as an unclassified variant). The variant was identified by the Exome Variant Server project in 1 of 4406 African American alleles (frequency: 0.0002) and in the 1000 Genomes Project in 1 allele (frequency 0.0005), although this low number of observations and low frequency is not substantive enough to determine the prevalence of the variant in the general population and its relationship to disease. The c.7805+13A>G variant occurs outside of the splicing consensus sequence and 3 of 5 in silico or computational prediction software programs (SpliceSiteFinder, MaxEntScan, NNSPLICE, GeneSplicer, HumanSpliceFinder) predict a greater than 10% difference in splicing; however, this information is not predictive enough to assume pathogenicity. In summary, based on the above information, the clinical significance of this variant cannot be determined with certainty at this time. This variant is classified as a variant of unknown significance.

Joint Genome Diagnostic Labs from Nijmegen and Maastricht, Radboudumc and MUMC+
Classification: Likely benign. Review status: no assertion criteria provided. Collection method: clinical testing. Allele origin: germline. Affected: yes. Study: VKGL Data-share Consensus. Not counted in ClinVar's aggregate classification.

Literature cited by the submitters: DOI 10.3389/fgene.2022.834265 (cited by National Health Laboratory Service, Universitas Academic Hospital and University of the Free State); PubMed 27062684 (cited by Women's Health and Genetics/Laboratory Corporation of America, LabCorp and Counsyl); PubMed 31343793 (cited by Women's Health and Genetics/Laboratory Corporation of America, LabCorp); PubMed 30472649 (cited by Hereditary Cancer Genetics group, Vall d'Hebron Institute of Oncology).